The following is an entry in ClinVar:

ClinVar aggregate classification (germline): Likely pathogenic (1 of 4 stars; one submission).

Conditions:
Merosin deficient congenital muscular dystrophy (MDC1A). Also called: Congenital merosin-deficient muscular dystrophy 1A; Congenital Muscular Dystrophy Type 1A (MDC1A). Identifiers: Orphanet 258, MedGen C1263858, MONDO:0011925, OMIM 607855.

Submission:

Institute of Medical Genetics and Genomics, Sir Ganga Ram Hospital
Classification: Likely pathogenic for Merosin deficient congenital muscular dystrophy. Review status: criteria provided, single submitter. Criteria: ACMG Guidelines, 2015. Collection method: clinical testing. Allele origin: germline. Inheritance: Autosomal recessive inheritance. Affected: yes. Observed: 1 variant allele, 1 homozygote.
Comment: A homozygous 1 base deletion has been identified in LAMA2 gene. This change is present in coding exon 29 of this gene, predicted to result in a frameshift event [PVS1]. This frameshift variant is present in the gnomAD (aggregated) database with an allele frequency of 0.0004% [01 Heterozygote, 00 Homozygotes] [PM2]. To our knowledge, the identified variant is not submitted to clinvar database not any functional evidences available. Hence, based on the available information, and phenotypic overlap with the clinical symptoms of the proband, the variant has been classified as “ Likely Pathogenic”.

NM_000426.4(LAMA2):c.4292del (p.Pro1431fs)

Gene: LAMA2 (laminin subunit alpha 2; plus strand). Cytogenetic location: 6q22.33.
Variant type: Deletion.
Coding change: c.4292del on transcript NM_000426.4 (MANE Select); coding-DNA position 4292, one base deleted (C; older notation c.4292delC).
Protein change: p.Pro1431fs; shifts the reading frame from proline 1431.
Molecular consequence: frameshift variant.
Genome position (GRCh38, 1-based): chr6:129,328,393, C deleted; the last of 3 consecutive C bases (chr6:129,328,391-129,328,393); deleting any one gives the same sequence. VCF-style (leftmost placement, unchanged base first): chr6-129328390-AC-A. GRCh37 (hg19) VCF-style: chr6-129649535-AC-A.
Other names: c.4292del, p.Pro1431fs (NM_001079823.2); c.4292delC (NM_000426.4); short protein forms P1431fs.
Identifiers: ClinVar variation 4852488 (VCV004852488.1).